The following is an entry in ClinVar:

NM_003906.5(MCM3AP):c.572C>T (p.Pro191Leu)

Gene: MCM3AP (minichromosome maintenance complex component 3 associated protein; minus strand). Cytogenetic location: 21q22.3.
Variant type: single nucleotide variant.
Coding change: c.572C>T on transcript NM_003906.5 (MANE Select); coding-DNA position 572, C replaced by T.
Protein change: p.Pro191Leu; replaces proline 191 with leucine.
Molecular consequence: missense variant.
Genome position (GRCh38, 1-based): chr21:46,284,715, G>A on the plus strand (C>T on the coding strand, the complement: MCM3AP is on the minus strand). VCF-style: chr21-46284715-G-A. GRCh37 (hg19) VCF-style: chr21-47704629-G-A.
Other names: short protein forms P191L.
Identifiers: ClinVar variation 1801965 (VCV001801965.1), dbSNP rs2517439478, ClinGen allele CA410536235.

ClinVar aggregate classification (germline): Uncertain significance (1 of 4 stars; one submission).

Submission:

GeneDx
Classification: Uncertain significance. Last evaluated: 2022-06-03. Review status: criteria provided, single submitter. Criteria: GeneDx Variant Classification Process June 2021. Collection method: clinical testing. Allele origin: germline. Affected: yes.
Comment: Not observed at significant frequency in large population cohorts (gnomAD); In silico analysis supports that this missense variant does not alter protein structure/function; Has not been previously published as pathogenic or benign to our knowledge